The following is an entry in ClinVar:

NM_001357.5(DHX9):c.1212T>A (p.Asn404Lys)

Gene: DHX9 (DExH-box helicase 9; plus strand). Cytogenetic location: 1q25.3.
Variant type: single nucleotide variant.
Coding change: c.1212T>A on transcript NM_001357.5 (MANE Select); coding-DNA position 1212, T replaced by A.
Protein change: p.Asn404Lys; replaces asparagine 404 with lysine.
Molecular consequence: missense variant. On other transcripts: non-coding transcript variant (1).
Genome position (GRCh38, 1-based): chr1:182,860,064, T>A. VCF-style: chr1-182860064-T-A. GRCh37 (hg19) VCF-style: chr1-182829199-T-A.
Other names: short protein forms N404K.
Identifiers: ClinVar variation 2579537 (VCV002579537.1), dbSNP rs2526377826, ClinGen allele CA343656993.

ClinVar aggregate classification (germline): Uncertain significance (1 of 4 stars; one submission).

Submission:

GeneDx
Classification: Uncertain significance. Last evaluated: 2022-09-28. Review status: criteria provided, single submitter. Criteria: GeneDx Variant Classification Process June 2021. Collection method: clinical testing. Allele origin: germline. Affected: yes.
Comment: Not observed at significant frequency in large population cohorts (gnomAD); In silico analysis supports that this missense variant has a deleterious effect on protein structure/function; Has not been previously published as pathogenic or benign to our knowledge; Variants in candidate genes are classified as variants of uncertain significance in accordance with ACMG guidelines (Richards et al., 2015)